The following is an entry in ClinVar:

NM_000143.4(FH):c.132+1G>A

Gene: FH (fumarate hydratase; minus strand). Cytogenetic location: 1q43.
Variant type: single nucleotide variant.
Coding change: c.132+1G>A on transcript NM_000143.4 (MANE Select); the canonical splice donor site of the intron after coding-DNA position 132, G replaced by A.
Molecular consequence: splice donor variant.
Genome position (GRCh38, 1-based): chr1:241,519,590, C>T on the plus strand (G>A on the coding strand, the complement: FH is on the minus strand). VCF-style: chr1-241519590-C-T. GRCh37 (hg19) VCF-style: chr1-241682890-C-T.
Identifiers: ClinVar variation 3515115 (VCV003515115.2).
Genomic context (GRCh38, chr1:241,519,590, plus strand): 5'-CGGCAGGCAGGAGGGCTGAAGGTCACTGCGGGGAGGCCGGGGGATGGCGGCCTGCGCTCA[C>T]CATTCGAGCCGCGTTCGGAGGCCAAAACGAGGGCACGGCCGCGCCACCCAAGCCGGGAGC-3'

ClinVar aggregate classification (germline): Likely pathogenic (1 of 4 stars; one submission).

Conditions:
Hereditary cancer-predisposing syndrome. Also called: Tumor predisposition; Neoplastic Syndromes, Hereditary; Hereditary Cancer Syndrome; Hereditary neoplastic syndrome. Identifiers: Orphanet 140162, MedGen C0027672, MeSH D009386, MONDO:0015356.

Submission:

Ambry Genetics
Classification: Likely pathogenic for Hereditary cancer-predisposing syndrome. Last evaluated: 2025-09-08. Review status: criteria provided, single submitter. Criteria: Ambry Variant Classification Scheme 2023. Collection method: clinical testing. Allele origin: germline.
Comment: The c.132+1G>A intronic variant results from a G to A substitution one nucleotide after coding exon 1 of the FH gene. This nucleotide position is highly conserved in available vertebrate species. In silico splice site analysis predicts that this alteration will weaken the native splice donor site; however, direct evidence is insufficient at this time. This variant is considered to be rare based on population cohorts in the Genome Aggregation Database (gnomAD). Alterations that disrupt the canonical splice site are expected to cause aberrant splicing, resulting in an abnormal protein or a transcript that is subject to nonsense-mediated mRNA decay. As such, this alteration is classified as likely pathogenic.